The following is an entry in ClinVar:

ClinVar aggregate classification (germline): Uncertain significance (1 of 4 stars; one submission).

gnomAD v4.1: 9 of 1,579,520 alleles (0.00057%); highest among the groups gnomAD compares: Middle Eastern, 0.033%; no homozygotes.

Submission:

Labcorp Genetics (formerly Invitae), Labcorp
Classification: Uncertain significance. Last evaluated: 2023-12-31. Review status: criteria provided, single submitter. Criteria: Invitae Variant Classification Sherloc (09022015). Collection method: clinical testing. Allele origin: germline.
Comment: This sequence change replaces arginine, which is basic and polar, with leucine, which is neutral and non-polar, at codon 600 of the CSF2RB protein (p.Arg600Leu). This variant is not present in population databases (gnomAD no frequency). This variant has not been reported in the literature in individuals affected with CSF2RB-related conditions. Advanced modeling of protein sequence and biophysical properties (such as structural, functional, and spatial information, amino acid conservation, physicochemical variation, residue mobility, and thermodynamic stability) performed at Invitae indicates that this missense variant is not expected to disrupt CSF2RB protein function with a negative predictive value of 80%. In summary, the available evidence is currently insufficient to determine the role of this variant in disease. Therefore, it has been classified as a Variant of Uncertain Significance.

NM_000395.3(CSF2RB):c.1799G>T (p.Arg600Leu)

Gene: CSF2RB (colony stimulating factor 2 receptor subunit beta; plus strand). Cytogenetic location: 22q12.3.
Variant type: single nucleotide variant.
Coding change: c.1799G>T on transcript NM_000395.3 (MANE Select); coding-DNA position 1799, G replaced by T.
Protein change: p.Arg600Leu; replaces arginine 600 with leucine.
Molecular consequence: missense variant.
Genome position (GRCh38, 1-based): chr22:36,937,607, G>T. VCF-style: chr22-36937607-G-T. GRCh37 (hg19) VCF-style: chr22-37333649-G-T.
Other names: c.1817G>T, p.Arg606Leu (NM_001410827.1); short protein forms R606L, R600L.
Identifiers: ClinVar variation 2892765 (VCV002892765.3), dbSNP rs41283223, ClinGen allele CA324004469.